The following is an entry in ClinVar:

ClinVar aggregate classification (germline): Uncertain significance (1 of 4 stars; one submission).

Submission:

CeGaT Center for Human Genetics Tuebingen
Classification: Uncertain significance. Last evaluated: 2026-09-01. Review status: criteria provided, single submitter. Criteria: CeGaT Center For Human Genetics Tuebingen Variant Classification Criteria Version 2. Collection method: clinical testing. Allele origin: germline. Affected: yes. Observed: 1 variant allele.
Comment: TTN: PM2, BP4

NM_001267550.2(TTN):c.47581A>G (p.Ser15861Gly)

Genes: TTN (titin; minus strand), TTN-AS1 (TTN antisense RNA 1; plus strand). Cytogenetic location: 2q31.2.
Variant type: single nucleotide variant.
Coding change: c.47581A>G on transcript NM_001267550.2 (MANE Select); coding-DNA position 47581, A replaced by G.
Protein change: p.Ser15861Gly; replaces serine 15861 with glycine.
Molecular consequence: missense variant.
Genome position (GRCh38, 1-based): chr2:178,617,504, T>C on the plus strand (A>G on the coding strand, the complement: TTN is on the minus strand). VCF-style: chr2-178617504-T-C. GRCh37 (hg19) VCF-style: chr2-179482231-T-C.
Other names: c.42658A>G, p.Ser14220Gly (NM_001256850.1); c.20386A>G, p.Ser6796Gly (NM_003319.4); c.39877A>G, p.Ser13293Gly (NM_133378.4); c.20761A>G, p.Ser6921Gly (NM_133432.3); c.20962A>G, p.Ser6988Gly (NM_133437.4); short protein forms S13293G, S14220G, S15861G, S6796G, S6921G, S6988G.
Identifiers: ClinVar variation 5041320 (VCV005041320.1).
Genomic context (GRCh38, chr2:178,617,504, plus strand): 5'-CCCATTTGAGCTGAACTGATGACTGAGTCTGATCTGAGGAAGTTAGGTTTACAGGAGGAC[T>C]TGGTCTCTCTGGAATAAAAGAAGGAGTTGGAGCATACCATTTACGTTAGTGACAATTTAT-3'
Protein context (NP_001254479.2, residues 15851-15871): VKVADPIERP[Ser15861Gly]PPVNLTSSDQ